The following is an entry in ClinVar:

NM_031935.3(HMCN1):c.1396A>T (p.Asn466Tyr)

Gene: HMCN1 (hemicentin 1; plus strand). Cytogenetic location: 1q31.1.
Variant type: single nucleotide variant.
Coding change: c.1396A>T on transcript NM_031935.3 (MANE Select); coding-DNA position 1396, A replaced by T.
Protein change: p.Asn466Tyr; replaces asparagine 466 with tyrosine.
Molecular consequence: missense variant.
Genome position (GRCh38, 1-based): chr1:185,925,157, A>T. VCF-style: chr1-185925157-A-T. GRCh37 (hg19) VCF-style: chr1-185894289-A-T.
Other names: short protein forms N466Y.
Identifiers: ClinVar variation 1462735 (VCV001462735.6), dbSNP rs2102481097, ClinGen allele CA343895526.

ClinVar aggregate classification (germline): Uncertain significance (1 of 4 stars; one submission).

Submission:

Labcorp Genetics (formerly Invitae), Labcorp
Classification: Uncertain significance. Last evaluated: 2021-10-14. Review status: criteria provided, single submitter. Criteria: Invitae Variant Classification Sherloc (09022015). Collection method: clinical testing. Allele origin: germline.
Comment: In summary, the available evidence is currently insufficient to determine the role of this variant in disease. Therefore, it has been classified as a Variant of Uncertain Significance. Algorithms developed to predict the effect of missense changes on protein structure and function are either unavailable or do not agree on the potential impact of this missense change (SIFT: "Deleterious"; PolyPhen-2: "Probably Damaging"; Align-GVGD: "Class C0"). This variant is not present in population databases (ExAC no frequency). This variant has not been reported in the literature in individuals affected with HMCN1-related conditions. This sequence change replaces asparagine with tyrosine at codon 466 of the HMCN1 protein (p.Asn466Tyr). The asparagine residue is moderately conserved and there is a large physicochemical difference between asparagine and tyrosine.